The following is an entry in ClinVar:

NM_000256.3(MYBPC3):c.1354C>G (p.Pro452Ala)

Gene: MYBPC3 (myosin binding protein C3; minus strand). Cytogenetic location: 11p11.2.
Variant type: single nucleotide variant.
Coding change: c.1354C>G on transcript NM_000256.3 (MANE Select); coding-DNA position 1354, C replaced by G.
Protein change: p.Pro452Ala; replaces proline 452 with alanine.
Molecular consequence: missense variant.
Genome position (GRCh38, 1-based): chr11:47,342,933, G>C on the plus strand (C>G on the coding strand, the complement: MYBPC3 is on the minus strand). VCF-style: chr11-47342933-G-C. GRCh37 (hg19) VCF-style: chr11-47364484-G-C.
Other names: short protein forms P452A.
Identifiers: ClinVar variation 2156424 (VCV002156424.4), dbSNP rs2495763694, ClinGen allele CA044664.

ClinVar aggregate classification (germline): Uncertain significance (1 of 4 stars; one submission).

Conditions:
Hypertrophic cardiomyopathy. Also called: HYPERTROPHIC MYOCARDIOPATHY. Identifiers: Orphanet 217569, MedGen C0007194, MeSH D002312, MONDO:0005045, HP:0001639.

Submission:

Labcorp Genetics (formerly Invitae), Labcorp
Classification: Uncertain significance for Hypertrophic cardiomyopathy. Last evaluated: 2022-03-03. Review status: criteria provided, single submitter. Criteria: Invitae Variant Classification Sherloc (09022015). Collection method: clinical testing. Allele origin: germline.
Comment: Algorithms developed to predict the effect of missense changes on protein structure and function are either unavailable or do not agree on the potential impact of this missense change (SIFT: "Deleterious"; PolyPhen-2: "Benign"; Align-GVGD: "Class C25"). This sequence change replaces proline, which is neutral and non-polar, with alanine, which is neutral and non-polar, at codon 452 of the MYBPC3 protein (p.Pro452Ala). This variant is not present in population databases (gnomAD no frequency). This variant has not been reported in the literature in individuals affected with MYBPC3-related conditions. In summary, the available evidence is currently insufficient to determine the role of this variant in disease. Therefore, it has been classified as a Variant of Uncertain Significance.